The following is an entry in ClinVar:

NM_198253.3(TERT):c.2579A>G (p.Asp860Gly)

Gene: TERT (telomerase reverse transcriptase; minus strand). Cytogenetic location: 5p15.33.
Variant type: single nucleotide variant.
Coding change: c.2579A>G on transcript NM_198253.3 (MANE Select); coding-DNA position 2579, A replaced by G.
Protein change: p.Asp860Gly; replaces aspartic acid 860 with glycine.
Molecular consequence: missense variant. On other transcripts: non-coding transcript variant (2).
Genome position (GRCh38, 1-based): chr5:1,268,523, T>C on the plus strand (A>G on the coding strand, the complement: TERT is on the minus strand). VCF-style: chr5-1268523-T-C. GRCh37 (hg19) VCF-style: chr5-1268638-T-C.
Other names: c.2579A>G, p.Asp860Gly (NM_001193376.3); short protein forms D860G.
Identifiers: ClinVar variation 1483537 (VCV001483537.8), dbSNP rs2126607112, ClinGen allele CA359074094.

ClinVar aggregate classification (germline): Uncertain significance (1 of 4 stars; one submission).

Conditions:
Idiopathic Pulmonary Fibrosis. Also called: Idiopathic fibrosing alveolitis, chronic form; idiopathic fibrosing alveolitis. Identifiers: Orphanet 2032, MedGen C1800706, MeSH D054990, MONDO:0800504.
Dyskeratosis congenita, autosomal dominant 2. Identifiers: MedGen C3151443, MONDO:0013521, OMIM 613989.

Submission:

Labcorp Genetics (formerly Invitae), Labcorp
Classification: Uncertain significance for Dyskeratosis congenita, autosomal dominant 2; Idiopathic Pulmonary Fibrosis. Last evaluated: 2020-11-11. Review status: criteria provided, single submitter. Criteria: Invitae Variant Classification Sherloc (09022015). Collection method: clinical testing. Allele origin: germline.
Comment: Advanced modeling of protein sequence and biophysical properties (such as structural, functional, and spatial information, amino acid conservation, physicochemical variation, residue mobility, and thermodynamic stability) performed at Invitae indicates that this missense variant is expected to disrupt TERT protein function. In summary, the available evidence is currently insufficient to determine the role of this variant in disease. Therefore, it has been classified as a Variant of Uncertain Significance. This variant has not been reported in the literature in individuals with TERT-related conditions. This variant is not present in population databases (ExAC no frequency). This sequence change replaces aspartic acid with glycine at codon 860 of the TERT protein (p.Asp860Gly). The aspartic acid residue is moderately conserved and there is a moderate physicochemical difference between aspartic acid and glycine.